The following is an entry in ClinVar:

NM_001077350.3(NPRL3):c.258del (p.Lys87fs)

Genes: HBA-LCR (alpha-globin locus control region; plus strand), NPRL3 (NPR3 like, GATOR1 complex subunit; minus strand). Cytogenetic location: 16p13.3.
Variant type: Deletion.
Coding change: c.258del on transcript NM_001077350.3 (MANE Select); coding-DNA position 258, one base deleted (G; older notation c.258delG).
Protein change: p.Lys87fs; shifts the reading frame from lysine 87.
Molecular consequence: frameshift variant. On other transcripts: intron variant (1).
Genome position (GRCh38, 1-based): chr16:119,186, C deleted on the plus strand (G on the coding strand, the reverse complement: NPRL3 is on the minus strand). VCF-style (leftmost placement, unchanged base first): chr16-119185-TC-T. GRCh37 (hg19) VCF-style: chr16-169184-TC-T.
Other names: c.24del, p.Lys9fs (NM_001243247.2); c.258del, p.Lys87fs (NM_001243248.2, NM_001243249.2); c.-144-6411del (NM_001039476.3); short protein forms K87fs, K9fs.
Identifiers: ClinVar variation 1072921 (VCV001072921.7), dbSNP rs2141960699, ClinGen allele CA2499223204.
Genomic context (GRCh38, chr16:119,185, plus strand): 5'-CCTGCCCCAGAGCATGCTGTAGCAGTGTTGGGTGCCCAACAAATCGCACATTATCAATCT[TC>T]AGTTCAAATTTTTGGCCACACATTTCAGACTTGGTTGCCAAAATTGTTGCCAGAATAACA-3'

ClinVar aggregate classification (germline): Pathogenic (1 of 4 stars; one submission).

Conditions:
Epilepsy, familial focal, with variable foci 3 (FFEVF3). Identifiers: MedGen C4310708, MONDO:0014925, OMIM 617118.

Submission:

Labcorp Genetics (formerly Invitae), Labcorp
Classification: Pathogenic for Epilepsy, familial focal, with variable foci 3. Last evaluated: 2020-06-17. Review status: criteria provided, single submitter. Criteria: Invitae Variant Classification Sherloc (09022015). Collection method: clinical testing. Allele origin: germline.
Comment: This sequence change creates a premature translational stop signal (p.Lys87Argfs*35) in the NPRL3 gene. It is expected to result in an absent or disrupted protein product. For these reasons, this variant has been classified as Pathogenic. Loss-of-function variants in NPRL3 are known to be pathogenic (PMID: 26285051, 26505888). This variant has not been reported in the literature in individuals with NPRL3-related conditions. This variant is not present in population databases (ExAC no frequency).

Literature cited by the submitters: PubMed 26285051; PubMed 26505888.